The following is an entry in ClinVar:

NC_000019.10:g.(?_1218417)_(1223172_?)del

Genes: STK11 (serine/threonine kinase 11; plus strand), LOC130062899 (ATAC-STARR-seq lymphoblastoid active region 13597; plus strand), LOC110006318 (serine/threonine kinase 11 intron 3 Alu-mediated recombination region; plus strand). Cytogenetic location: 19p13.3.
Variant type: Deletion.
Identifiers: ClinVar variation 417313 (VCV000417313.1).

ClinVar aggregate classification (germline): Pathogenic (1 of 4 stars; one submission).

Conditions:
Peutz-Jeghers syndrome (PJS). Also called: Peutz-Jeghers polyposis; Periorificial lentiginosis syndrome; POLYPOSIS, HAMARTOMATOUS INTESTINAL; POLYPS-AND-SPOTS SYNDROME. Identifiers: Orphanet 2869, MedGen C0031269, MeSH D010580, MONDO:0008280, OMIM 175200.

Submission:

Labcorp Genetics (formerly Invitae), Labcorp
Classification: Pathogenic for Peutz-Jeghers syndrome. Last evaluated: 2016-09-14. Review status: criteria provided, single submitter. Criteria: Invitae Variant Classification Sherloc (09022015). Collection method: clinical testing. Allele origin: germline.
Comment: This variant is a gross deletion of the genomic region encompassing exons 2-8 of the STK11 gene. While this deletion is not anticipated to result in nonsense mediated decay, it is expected to create a truncated or disrupted STK11 protein. Loss-of-function variants including gross deletions in STK11 are known to be pathogenic. Deletion of exons 2-8 has been reported in an individual with Peutz-Jeghers syndrome (PJS) in the Leiden Open-source Variation Database (PMID: 21520333). For these reasons, this variant has been classified as Pathogenic.